The following is an entry in ClinVar:

NM_005094.4(SLC27A4):c.866_877+16del

Gene: SLC27A4 (solute carrier family 27 member 4; plus strand). Cytogenetic location: 9q34.11.
Variant type: Deletion.
Coding change: c.866_877+16del on transcript NM_005094.4 (MANE Select); coding-DNA position 866 through 16 bases into the intron after coding-DNA position 877, 28 bases deleted (ACCACTCAGCAGGTAACTCTAGGGCTGT).
Molecular consequence: splice donor variant.
Genome position (GRCh38, 1-based): chr9:128,350,564-128,350,591, ACCACTCAGCAGGTAACTCTAGGGCTGT deleted; deleting any 28 consecutive bases within chr9:128,350,563-128,350,591 gives the same sequence; the c. name uses the placement nearest the transcript's 3' end. VCF-style (leftmost placement, unchanged base first): chr9-128350562-CTACCACTCAGCAGGTAACTCTAGGGCTG-C. GRCh37 (hg19) VCF-style: chr9-131112841-CTACCACTCAGCAGGTAACTCTAGGGCTG-C.
Identifiers: ClinVar variation 2757138 (VCV002757138.3), dbSNP rs2539458063, ClinGen allele CA2697558078.
Genomic context (GRCh38, chr9:128,350,562, plus strand): 5'-CCTGGTGTACTATGGATTCCGCATGCGGCCCAACGACATCGTCTATGACTGCCTCCCCCT[CTACCACTCAGCAGGTAACTCTAGGGCTG>C]TCACACAGCCTCCAGCACCTGCCAGGTCTCTAGGAACCCCACCCCCATCAGGCAGTGTGC-3'

ClinVar aggregate classification (germline): Likely pathogenic (1 of 4 stars; one submission).

Submission:

Labcorp Genetics (formerly Invitae), Labcorp
Classification: Likely pathogenic. Last evaluated: 2023-09-01. Review status: criteria provided, single submitter. Criteria: Invitae Variant Classification Sherloc (09022015). Collection method: clinical testing. Allele origin: germline.
Comment: This variant results in the deletion of c.866_877+16del of the SLC27A4 gene. It is expected to disrupt RNA splicing. Variants that disrupt the donor or acceptor splice site typically lead to a loss of protein function (PMID: 16199547), and loss-of-function variants in SLC27A4 are known to be pathogenic (PMID: 19631310, 21450060). This variant is not present in population databases (gnomAD no frequency). This variant has not been reported in the literature in individuals affected with SLC27A4-related conditions. In summary, the currently available evidence indicates that the variant is pathogenic, but additional data are needed to prove that conclusively. Therefore, this variant has been classified as Likely Pathogenic.

Literature cited by the submitters: PubMed 16199547; PubMed 19631310; PubMed 21450060.